The following is an entry in ClinVar:

ClinVar aggregate classification (germline): Uncertain significance. Review status: criteria provided, multiple submitters, no conflicts (2 of 4 stars). 5 submissions from 5 submitters: Uncertain significance (5). Last evaluated 2025-10-13.

Conditions:
Hereditary cancer-predisposing syndrome. Also called: Neoplastic Syndromes, Hereditary; Tumor predisposition; Hereditary Cancer Syndrome; Hereditary neoplastic syndrome. Identifiers: Orphanet 140162, MedGen C0027672, MeSH D009386, MONDO:0015356.
Breast and/or ovarian cancer. Identifiers: MedGen CN221562.
Ataxia-telangiectasia syndrome (AT). Also called: ATAXIA-TELANGIECTASIA, COMPLEMENTATION GROUP A; ATAXIA-TELANGIECTASIA, FRESNO VARIANT; Ataxia-telangiectasia; Ataxia-telangiectasia, complementation group D; AT, COMPLEMENTATION GROUP C; Ataxia-telangiectasia, complementation group E. Identifiers: Orphanet 100, MedGen C0004135, MONDO:0008840, OMIM 208900.

Allele frequency attached by ClinVar (database versions not stated): gnomAD exomes below 0.00001; ExAC 0.00001.
gnomAD v4.1: 1 of 1,613,710 alleles (0.000062%); highest among the groups gnomAD compares: Admixed American, 0.0017%; no homozygotes.

Submissions (5):

Labcorp Genetics (formerly Invitae), Labcorp
Classification: Uncertain significance for Ataxia-telangiectasia syndrome. Last evaluated: 2025-10-13. Review status: criteria provided, single submitter. Criteria: Invitae Variant Classification Sherloc (09022015). Collection method: clinical testing. Allele origin: germline.
Comment: This sequence change replaces isoleucine, which is neutral and non-polar, with threonine, which is neutral and polar, at codon 389 of the ATM protein (p.Ile389Thr). This variant is present in population databases (rs757486696, gnomAD 0.0009%). This variant has not been reported in the literature in individuals affected with ATM-related conditions. ClinVar contains an entry for this variant (Variation ID: 524318). Invitae Evidence Modeling of protein sequence and biophysical properties (such as structural, functional, and spatial information, amino acid conservation, physicochemical variation, residue mobility, and thermodynamic stability) indicates that this missense variant is not expected to disrupt ATM protein function with a negative predictive value of 95%. In summary, the available evidence is currently insufficient to determine the role of this variant in disease. Therefore, it has been classified as a Variant of Uncertain Significance.

Ambry Genetics
Classification: Uncertain significance for Hereditary cancer-predisposing syndrome. Last evaluated: 2025-01-22. Review status: criteria provided, single submitter. Criteria: Ambry Variant Classification Scheme 2023. Collection method: clinical testing. Allele origin: germline.
Comment: The p.I389T variant (also known as c.1166T>C), located in coding exon 8 of the ATM gene, results from a T to C substitution at nucleotide position 1166. The isoleucine at codon 389 is replaced by threonine, an amino acid with similar properties. This amino acid position is well conserved in available vertebrate species. In addition, this alteration is predicted to be tolerated by in silico analysis. Based on the available evidence, the clinical significance of this variant remains unclear.

Color Diagnostics, LLC DBA Color Health
Classification: Uncertain significance for Hereditary cancer-predisposing syndrome. Last evaluated: 2024-03-06. Review status: criteria provided, single submitter. Criteria: ACMG Guidelines, 2015. Collection method: clinical testing. Allele origin: germline.
Comment: This missense variant replaces isoleucine with threonine at codon 389 of the ATM protein. Computational prediction suggests that this variant may not impact protein structure and function (internally defined REVEL score threshold <= 0.5, PMID: 27666373). To our knowledge, functional studies have not been reported for this variant. This variant has not been reported in individuals affected with hereditary cancer in the literature. This variant has been identified in 1/251278 chromosomes in the general population by the Genome Aggregation Database (gnomAD). The available evidence is insufficient to determine the role of this variant in disease conclusively. Therefore, this variant is classified as a Variant of Uncertain Significance.

Sema4
Classification: Uncertain significance for Hereditary cancer-predisposing syndrome. Last evaluated: 2021-12-15. Review status: criteria provided, single submitter. Criteria: Sema4 Curation Guidelines. Collection method: curation. Allele origin: germline.
Comment: To the best of our knowledge, the ATM c.1166T>C (p.I389T) variant has not been reported in individuals with ATM-related disease. It was observed in 1/113618 chromosomes of the Non-Finnish European subpopulation in the large and broad cohorts of the Genome Aggregation Database (PMID: 32461654). This variant has been reported in ClinVar (Variation ID: 524318). Functional studies have not been performed, and in silico predictions of the variant's effect on protein function are inconclusive. The evidence is insufficient to meet ACMG/AMP criteria for classifying the variant as benign or pathogenic. Thus, the clinical significance of this variant is currently uncertain.

CHEO Genetics Diagnostic Laboratory, Children's Hospital of Eastern Ontario
Classification: Uncertain significance for Breast and/or ovarian cancer. Last evaluated: 2021-02-03. Review status: criteria provided, single submitter. Criteria: ACMG Guidelines, 2015. Collection method: clinical testing. Allele origin: germline.

NM_000051.4(ATM):c.1166T>C (p.Ile389Thr)

Gene: ATM (ATM serine/threonine kinase; plus strand). Cytogenetic location: 11q22.3.
Variant type: single nucleotide variant.
Coding change: c.1166T>C on transcript NM_000051.4 (MANE Select); coding-DNA position 1166, T replaced by C.
Protein change: p.Ile389Thr; replaces isoleucine 389 with threonine.
Molecular consequence: missense variant.
Genome position (GRCh38, 1-based): chr11:108,249,033, T>C. VCF-style: chr11-108249033-T-C. GRCh37 (hg19) VCF-style: chr11-108119760-T-C.
Other names: c.1166T>C, p.Ile389Thr (NM_001351834.2); short protein forms I389T.
Identifiers: ClinVar variation 524318 (VCV000524318.17), dbSNP rs757486696, ClinGen allele CA6264770.